The following is an entry in ClinVar:

ClinVar aggregate classification (germline): Uncertain significance. Review status: criteria provided, multiple submitters, no conflicts (2 of 4 stars). 2 submissions from 2 submitters: Uncertain significance (2). Last evaluated 2026-04-14.

Conditions:
Cardiovascular phenotype. Identifiers: MedGen CN230736.
ABCG8-related disorder. Also called: ABCG8-related condition.

gnomAD v4.1: 7 of 1,613,654 alleles (0.00043%); highest among the groups gnomAD compares: African/African-American, 0.0013%; no homozygotes.

Submissions (2):

PreventionGenetics, part of Exact Sciences
Classification: Uncertain significance for ABCG8-related condition. Last evaluated: 2026-04-14. Review status: criteria provided, single submitter. Criteria: ACMG Guidelines, 2015. Collection method: clinical testing. Allele origin: germline.
Comment: The ABCG8 c.1439A>G variant is predicted to result in the amino acid substitution p.Tyr480Cys. To our knowledge, this variant has not been reported in the literature. This variant is reported in 0.00088% of alleles in individuals of European (Non-Finnish) descent in gnomAD. At this time, the clinical significance of this variant is uncertain due to the absence of conclusive functional and genetic evidence.

Ambry Genetics
Classification: Uncertain significance for Cardiovascular phenotype. Last evaluated: 2024-12-20. Review status: criteria provided, single submitter. Criteria: Ambry Variant Classification Scheme 2023. Collection method: clinical testing. Allele origin: germline.
Comment: The p.Y480C variant (also known as c.1439A>G), located in coding exon 10 of the ABCG8 gene, results from an A to G substitution at nucleotide position 1439. The tyrosine at codon 480 is replaced by cysteine, an amino acid with highly dissimilar properties. This amino acid position is conserved. In addition, this alteration is predicted to be tolerated by in silico analysis. Based on the available evidence, the clinical significance of this variant remains unclear.

NM_022437.3(ABCG8):c.1439A>G (p.Tyr480Cys)

Gene: ABCG8 (ATP binding cassette subfamily G member 8; plus strand). Cytogenetic location: 2p21.
Variant type: single nucleotide variant.
Coding change: c.1439A>G on transcript NM_022437.3 (MANE Select); coding-DNA position 1439, A replaced by G.
Protein change: p.Tyr480Cys; replaces tyrosine 480 with cysteine.
Molecular consequence: missense variant.
Genome position (GRCh38, 1-based): chr2:43,874,434, A>G. VCF-style: chr2-43874434-A-G. GRCh37 (hg19) VCF-style: chr2-44101573-A-G.
Other names: c.1436A>G, p.Tyr479Cys (NM_001357321.2); short protein forms Y480C, Y479C.
Identifiers: ClinVar variation 3889555 (VCV003889555.2).